The following is an entry in ClinVar:

NM_000135.4(FANCA):c.4033G>T (p.Asp1345Tyr)

Genes: FANCA (FA complementation group A; minus strand), ZNF276 (zinc finger protein 276; plus strand). Cytogenetic location: 16q24.3.
Variant type: single nucleotide variant.
Coding change: c.4033G>T on transcript NM_000135.4 (MANE Select); coding-DNA position 4033, G replaced by T.
Protein change: p.Asp1345Tyr; replaces aspartic acid 1345 with tyrosine.
Molecular consequence: missense variant. On other transcripts: 3 prime UTR variant (2), non-coding transcript variant (4).
Genome position (GRCh38, 1-based): chr16:89,739,267, C>A on the plus strand (G>T on the coding strand, the complement: FANCA is on the minus strand). VCF-style: chr16-89739267-C-A. GRCh37 (hg19) VCF-style: chr16-89805675-C-A.
Other names: c.4033G>T, p.Asp1345Tyr (NM_001286167.3); c.*1021C>A (NM_001113525.2, NM_152287.4); short protein forms D1345Y.
Identifiers: ClinVar variation 2681906 (VCV002681906.1), dbSNP rs1394184058, ClinGen allele CA397484668.

ClinVar aggregate classification (germline): Uncertain significance (1 of 4 stars; one submission).

Submission:

Quest Diagnostics Nichols Institute San Juan Capistrano
Classification: Uncertain significance. Last evaluated: 2023-04-20. Review status: criteria provided, single submitter. Criteria: Quest Diagnostics criteria. Collection method: clinical testing. Allele origin: unknown.
Comment: This variant has not been reported in the published literature. It also has not been reported in large, multi-ethnic general populations. Analysis of this variant using bioinformatics tools for the prediction of the effect of amino acid changes on protein structure and function yielded predictions that this variant is benign. Based on the available information, we are unable to determine the clinical significance of this variant.